The following is an entry in ClinVar:

ClinVar aggregate classification (germline): Uncertain significance (1 of 4 stars; one submission).

Conditions:
Intellectual developmental disorder, X-linked, syndromic 14. Also called: Syndromic X-linked intellectual disability 14. Identifiers: Orphanet 776, MedGen C1970822, MONDO:0010398, OMIM 300676.

Submission:

Labcorp Genetics (formerly Invitae), Labcorp
Classification: Uncertain significance for Intellectual developmental disorder, X-linked, syndromic 14. Last evaluated: 2025-11-03. Review status: criteria provided, single submitter. Criteria: Invitae Variant Classification Sherloc (09022015). Collection method: clinical testing. Allele origin: germline.
Comment: This sequence change replaces threonine, which is neutral and polar, with isoleucine, which is neutral and non-polar, at codon 410 of the UPF3B protein (p.Thr410Ile). This variant is not present in population databases (gnomAD no frequency). This variant has not been reported in the literature in individuals affected with UPF3B-related conditions. Invitae Evidence Modeling of protein sequence and biophysical properties (such as structural, functional, and spatial information, amino acid conservation, physicochemical variation, residue mobility, and thermodynamic stability) indicates that this missense variant is not expected to disrupt UPF3B protein function with a negative predictive value of 80%. In summary, the available evidence is currently insufficient to determine the role of this variant in disease. Therefore, it has been classified as a Variant of Uncertain Significance.

NM_080632.3(UPF3B):c.1229C>T (p.Thr410Ile)

Gene: UPF3B (UPF3B regulator of nonsense mediated mRNA decay; minus strand). Cytogenetic location: Xq24.
Variant type: single nucleotide variant.
Coding change: c.1229C>T on transcript NM_080632.3 (MANE Select); coding-DNA position 1229, C replaced by T.
Protein change: p.Thr410Ile; replaces threonine 410 with isoleucine.
Molecular consequence: missense variant.
Genome position (GRCh38, 1-based): chrX:119,837,830, G>A on the plus strand (C>T on the coding strand, the complement: UPF3B is on the minus strand). VCF-style: chrX-119837830-G-A. GRCh37 (hg19) VCF-style: chrX-118971793-G-A.
Other names: c.1190C>T, p.Thr397Ile (NM_023010.4); short protein forms T397I, T410I.
Identifiers: ClinVar variation 4744833 (VCV004744833.1).
Genomic context (GRCh38, chrX:119,837,830, plus strand): 5'-CGATCTCTCTTGACCACTTCTTCTTTCTTTTCAGTTTTTTCTGAGCTGCCTATTGATTCT[G>A]TACTTTCAGCCTTCTTTCCTTTATCCCGAAGTGTGTCTTTCTCTTTTTTCATTTCTTCTT-3'
Protein context (NP_542199.1, residues 400-420): LRDKGKKAES[Thr410Ile]ESIGSSEKTE